The following is an entry in ClinVar:

NM_004999.4(MYO6):c.1477C>T (p.Gln493Ter)

Gene: MYO6 (myosin VI; plus strand). Cytogenetic location: 6q14.1.
Variant type: single nucleotide variant.
Coding change: c.1477C>T on transcript NM_004999.4 (MANE Select); coding-DNA position 1477, C replaced by T.
Protein change: p.Gln493Ter; replaces glutamine 493 with a stop codon.
Molecular consequence: nonsense. On other transcripts: non-coding transcript variant (1).
Genome position (GRCh38, 1-based): chr6:75,861,026, C>T. VCF-style: chr6-75861026-C-T. GRCh37 (hg19) VCF-style: chr6-76570743-C-T.
Other names: c.1477C>T, p.Gln493Ter (NM_001300899.2, NM_001368136.1, NM_001368137.1 and 2 more transcripts); c.1462C>T, p.Gln488Ter (NM_001368138.1); short protein forms Q488*, Q493*.
Identifiers: ClinVar variation 4533340 (VCV004533340.1).

ClinVar aggregate classification (germline): Pathogenic (1 of 4 stars; one submission).

Conditions:
Monogenic hearing loss.

gnomAD v4.1: 2 of 1,592,544 alleles (0.00013%); highest among the groups gnomAD compares: Non-Finnish European, 0.00017%; no homozygotes.

Submission:

Genetics Laboratory, Great Ormond Street Hospital NHS Foundation Trust, North Thames Genomic Laboratory Hub
Classification: Pathogenic for Monogenic hearing loss. Last evaluated: 2025-10-07. Review status: criteria provided, single submitter. Criteria: ACGS Best Practice Guidelines for Variant Classification in Rare Disease 2024 v1.2. Collection method: clinical testing. Allele origin: germline. Affected: yes.
Comment: PM2_moderate, PVS1_very-strong